The following is an entry in ClinVar:

ClinVar aggregate classification (germline): Uncertain significance (1 of 4 stars; one submission).

gnomAD v4.1: 1 of 1,613,110 alleles (0.000062%); highest among the groups gnomAD compares: African/African-American, 0.0013%; no homozygotes.

Submission:

Labcorp Genetics (formerly Invitae), Labcorp
Classification: Uncertain significance. Last evaluated: 2022-08-31. Review status: criteria provided, single submitter. Criteria: Invitae Variant Classification Sherloc (09022015). Collection method: clinical testing. Allele origin: germline.
Comment: This sequence change replaces cysteine, which is neutral and slightly polar, with tryptophan, which is neutral and slightly polar, at codon 583 of the GUF1 protein (p.Cys583Trp). This variant is not present in population databases (gnomAD no frequency). This variant has not been reported in the literature in individuals affected with GUF1-related conditions. Algorithms developed to predict the effect of missense changes on protein structure and function are either unavailable or do not agree on the potential impact of this missense change (SIFT: "Deleterious"; PolyPhen-2: "Probably Damaging"; Align-GVGD: "Class C0"). In summary, the available evidence is currently insufficient to determine the role of this variant in disease. Therefore, it has been classified as a Variant of Uncertain Significance.

NM_021927.3(GUF1):c.1749T>G (p.Cys583Trp)

Gene: GUF1 (GTP binding elongation factor GUF1; plus strand). Cytogenetic location: 4p12.
Variant type: single nucleotide variant.
Coding change: c.1749T>G on transcript NM_021927.3 (MANE Select); coding-DNA position 1749, T replaced by G.
Protein change: p.Cys583Trp; replaces cysteine 583 with tryptophan.
Molecular consequence: missense variant. On other transcripts: intron variant (1).
Genome position (GRCh38, 1-based): chr4:44,695,648, T>G. VCF-style: chr4-44695648-T-G. GRCh37 (hg19) VCF-style: chr4-44697665-T-G.
Other names: c.777T>G, p.Cys259Trp (NM_001345867.2, NM_001345869.2); c.1715+1135T>G (NM_001345868.2); short protein forms C259W, C583W.
Identifiers: ClinVar variation 1977481 (VCV001977481.5), dbSNP rs753684500, ClinGen allele CA96524186.